The following is an entry in ClinVar:

NM_000053.4(ATP7B):c.3217G>A (p.Val1073Met)

Gene: ATP7B (ATPase copper transporting beta; minus strand). Cytogenetic location: 13q14.3.
Variant type: single nucleotide variant.
Coding change: c.3217G>A on transcript NM_000053.4 (MANE Select); coding-DNA position 3217, G replaced by A.
Protein change: p.Val1073Met; replaces valine 1073 with methionine.
Molecular consequence: missense variant.
Genome position (GRCh38, 1-based): chr13:51,944,135, C>T on the plus strand (G>A on the coding strand, the complement: ATP7B is on the minus strand). VCF-style: chr13-51944135-C-T. GRCh37 (hg19) VCF-style: chr13-52518271-C-T.
Other names: c.3217G>A (NM_000053.3); c.2596G>A, p.Val866Met (NM_001005918.3); c.2884G>A, p.Val962Met (NM_001243182.2); c.2983G>A, p.Val995Met (NM_001330578.2); c.2965G>A, p.Val989Met (NM_001330579.2); short protein forms V1073M, V866M, V962M, V989M, V995M.
Identifiers: ClinVar variation 1528153 (VCV001528153.15), dbSNP rs376112375, ClinGen allele CA6988778.

ClinVar aggregate classification (germline): Conflicting classifications of pathogenicity. Review status: criteria provided, conflicting classifications (1 of 4 stars). 6 submissions from 6 submitters: Uncertain significance (5); Likely benign (1). Last evaluated 2026-01-21.

Conditions:
Wilson disease (WND). Also called: Wilson's disease. Identifiers: Orphanet 905, MedGen C0019202, MONDO:0010200, OMIM 277900. Disease mechanism: loss of function.

Allele frequency attached by ClinVar (database versions not stated): gnomAD exomes 0.00002 and 0.00006; ESP Exome Variant Server 0.00008; ExAC 0.00009; gnomAD 0.00014; TOPMed 0.00016; 1000 Genomes Project 0.00020; 1000 Genomes Project 30x 0.00031.

Submissions (6):

Labcorp Genetics (formerly Invitae), Labcorp
Classification: Likely benign for Wilson disease. Last evaluated: 2026-01-21. Review status: criteria provided, single submitter. Criteria: Invitae Variant Classification Sherloc (09022015). Collection method: clinical testing. Allele origin: germline.

Women's Health and Genetics/Laboratory Corporation of America, LabCorp
Classification: Uncertain significance. Last evaluated: 2025-11-25. Review status: criteria provided, single submitter. Criteria: LabCorp Variant Classification Summary - May 2015. Collection method: clinical testing. Allele origin: germline.

GeneDx
Classification: Uncertain significance. Last evaluated: 2025-08-11. Review status: criteria provided, single submitter. Criteria: GeneDx Variant Classification Process June 2021. Collection method: clinical testing. Allele origin: germline. Affected: yes.
Comment: In silico analysis suggests that this missense variant does not alter protein structure/function; Has not been previously published as pathogenic or benign to our knowledge

All of Us Research Program, National Institutes of Health
Classification: Uncertain significance for Wilson disease. Last evaluated: 2024-08-30. Review status: criteria provided, single submitter. Criteria: ACMG Guidelines, 2015. Collection method: clinical testing. Allele origin: germline. Inheritance: Autosomal recessive inheritance. Observed: 22 variant alleles, 22 heterozygotes.
Comment: This missense variant replaces valine with methionine at codon 1073 of the ATP7B protein. Computational prediction suggests that this variant may not impact protein structure and function (internally defined REVEL score threshold <= 0.5, PMID: 27666373). To our knowledge, functional studies have not been reported for this variant. This variant has not been reported in individuals affected with wilson disease in the literature. This variant has been identified in 20/280762 chromosomes in the general population by the Genome Aggregation Database (gnomAD). The available evidence is insufficient to determine the role of this variant in disease conclusively. Therefore, this variant is classified as a Variant of Uncertain Significance.

This study involves interpretation of variants in research participants for the purpose of population health screening. Participant phenotype was not available at the time of variant classification. Additional details can be found in publication PMID: 35346344, PMCID: PMC8962531

Color Diagnostics, LLC DBA Color Health
Classification: Uncertain significance for Wilson disease. Last evaluated: 2024-03-06. Review status: criteria provided, single submitter. Criteria: ACMG Guidelines, 2015. Collection method: clinical testing. Allele origin: germline.
Comment: This missense variant replaces valine with methionine at codon 1073 of the ATP7B protein. Computational prediction suggests that this variant may not impact protein structure and function (internally defined REVEL score threshold <= 0.5, PMID: 27666373). To our knowledge, functional studies have not been reported for this variant. This variant has not been reported in individuals affected with wilson disease in the literature. This variant has been identified in 20/280762 chromosomes in the general population by the Genome Aggregation Database (gnomAD). The available evidence is insufficient to determine the role of this variant in disease conclusively. Therefore, this variant is classified as a Variant of Uncertain Significance.

Revvity Omics, Revvity
Classification: Uncertain significance for Wilson disease. Last evaluated: 2022-12-13. Review status: criteria provided, single submitter. Criteria: ACMG Guidelines, 2015. Collection method: clinical testing. Allele origin: germline.